The following is an entry in ClinVar:

NM_000136.3(FANCC):c.388delinsAAA (p.Glu130fs)

Gene: FANCC (FA complementation group C; minus strand). Cytogenetic location: 9q22.32.
Variant type: Indel.
Coding change: c.388delinsAAA on transcript NM_000136.3 (MANE Select); coding-DNA position 388, G replaced by AAA.
Protein change: p.Glu130fs; shifts the reading frame from glutamic acid 130.
Molecular consequence: frameshift variant.
Genome position (GRCh38, 1-based): chr9:95,172,105, C replaced by TTT on the plus strand (G replaced by AAA on the coding strand, the reverse complement: FANCC is on the minus strand). VCF-style: chr9-95172105-C-TTT. GRCh37 (hg19) VCF-style: chr9-97934387-C-TTT.
Other names: c.388delinsAAA, p.Glu130fs (NM_001243743.2, NM_001243744.2); short protein forms E130fs.
Identifiers: ClinVar variation 5014152 (VCV005014152.1).

ClinVar aggregate classification (germline): Pathogenic (1 of 4 stars; one submission).

Conditions:
Fanconi anemia complementation group C (FANCC). Also called: FANCONI PANCYTOPENIA, TYPE 3; FACC; Fanconi anemia, group C; FANCC-Related Fanconi Anemia. Identifiers: Orphanet 84, MedGen C3468041, MONDO:0009213, OMIM 227645.

Submission:

Myriad Genetics, Inc.
Classification: Pathogenic for Fanconi anemia complementation group C. Last evaluated: 2025-03-01. Review status: criteria provided, single submitter. Criteria: Myriad Autosomal Dominant, Autosomal Recessive and X-Linked Classification Criteria (2023). Collection method: clinical testing. Allele origin: unknown.
Comment: NM_000136.2(FANCC):c.388delGinsAAA(E130Kfs*15) is expected to be pathogenic in the context of Fanconi anemia, FANCC-related. This variant is predicted to lead to an abnormal or absent protein product due to the creation of a premature termination codon in FANCC, a gene where loss-of-function variants are known to be pathogenic. Please note: this variant was assessed in the context of healthy population screening.